The following is an entry in ClinVar:

ClinVar aggregate classification (germline): Uncertain significance (1 of 4 stars; one submission).

Submission:

Labcorp Genetics (formerly Invitae), Labcorp
Classification: Uncertain significance. Last evaluated: 2022-03-09. Review status: criteria provided, single submitter. Criteria: Invitae Variant Classification Sherloc (09022015). Collection method: clinical testing. Allele origin: germline.
Comment: This sequence change creates a premature translational stop signal (p.Ser1320Lysfs*21) in the KIDINS220 gene. While this is not anticipated to result in nonsense mediated decay, it is expected to disrupt the last 452 amino acid(s) of the KIDINS220 protein. This variant is not present in population databases (gnomAD no frequency). In summary, the available evidence is currently insufficient to determine the role of this variant in disease. Therefore, it has been classified as a Variant of Uncertain Significance. Experimental studies and prediction algorithms are not available or were not evaluated, and the functional significance of this variant is currently unknown. This variant has not been reported in the literature in individuals affected with KIDINS220-related conditions.

NM_020738.4(KIDINS220):c.3958dup (p.Ser1320fs)

Gene: KIDINS220 (kinase D interacting substrate 220; minus strand). Cytogenetic location: 2p25.1.
Variant type: Duplication.
Coding change: c.3958dup on transcript NM_020738.4 (MANE Select); coding-DNA position 3958, one base duplicated (A; older notation c.3958dupA).
Protein change: p.Ser1320fs; shifts the reading frame from serine 1320.
Molecular consequence: frameshift variant. On other transcripts: non-coding transcript variant (2).
Genome position (GRCh38, 1-based): chr2:8,733,539, T duplicated on the plus strand (A on the coding strand, the reverse complement: KIDINS220 is on the minus strand). VCF-style (leftmost placement, unchanged base first): chr2-8733538-C-CT. GRCh37 (hg19) VCF-style: chr2-8873668-C-CT.
Other names: c.3961dup, p.Ser1321fs (NM_001348729.2); c.3904dup, p.Ser1302fs (NM_001348731.2); c.3901dup, p.Ser1301fs (NM_001348732.2, NM_001348738.2); c.3790dup, p.Ser1264fs (NM_001348734.2, NM_001348739.2, NM_001348740.2); c.3787dup, p.Ser1263fs (NM_001348735.2, NM_001348741.2, NM_001348742.2 and 1 more transcripts); c.3661dup, p.Ser1221fs (NM_001348736.2); short protein forms S1301fs, S1321fs, S1263fs, S1320fs, S1264fs, S1221fs, S1302fs.
Identifiers: ClinVar variation 2108066 (VCV002108066.4), dbSNP rs2527425814, ClinGen allele CA2580068133.